The following is an entry in ClinVar:

ClinVar aggregate classification (germline): Uncertain significance (1 of 4 stars; one submission).

Submission:

Labcorp Genetics (formerly Invitae), Labcorp
Classification: Uncertain significance. Last evaluated: 2024-11-19. Review status: criteria provided, single submitter. Criteria: Invitae Variant Classification Sherloc (09022015). Collection method: clinical testing. Allele origin: germline.
Comment: This sequence change replaces proline, which is neutral and non-polar, with threonine, which is neutral and polar, at codon 832 of the DOCK4 protein (p.Pro832Thr). This variant is not present in population databases (gnomAD no frequency). This variant has not been reported in the literature in individuals affected with DOCK4-related conditions. An algorithm developed to predict the effect of missense changes on protein structure and function (PolyPhen-2) suggests that this variant is likely to be disruptive. In summary, the available evidence is currently insufficient to determine the role of this variant in disease. Therefore, it has been classified as a Variant of Uncertain Significance.

NM_001363540.2(DOCK4):c.2494C>A (p.Pro832Thr)

Gene: DOCK4 (dedicator of cytokinesis 4; minus strand). Cytogenetic location: 7q31.1.
Variant type: single nucleotide variant.
Coding change: c.2494C>A on transcript NM_001363540.2 (MANE Select); coding-DNA position 2494, C replaced by A.
Protein change: p.Pro832Thr; replaces proline 832 with threonine.
Molecular consequence: missense variant.
Genome position (GRCh38, 1-based): chr7:111,847,106, G>T on the plus strand (C>A on the coding strand, the complement: DOCK4 is on the minus strand). VCF-style: chr7-111847106-G-T. GRCh37 (hg19) VCF-style: chr7-111487162-G-T.
Other names: c.2494C>A, p.Pro832Thr (NM_014705.4); short protein forms P832T.
Identifiers: ClinVar variation 3690096 (VCV003690096.2).
Genomic context (GRCh38, chr7:111,847,106, plus strand): 5'-CACACATGATCAGGTCCTTCTGTTCTTGCAAGTGAATGTGGAGGTGATGTAACACGACAG[G>T]CAGAAGAATGTATCGGGAATCTGAAGAGAGAAGAGTCATTAGTGTCACATCTGTTGGAGT-3'
Protein context (NP_001350469.1, residues 822-842): TNPDSRYILL[Pro832Thr]VVLHHLHIHL